The following is an entry in ClinVar:

ClinVar aggregate classification (germline): Conflicting classifications of pathogenicity. Review status: criteria provided, conflicting classifications (1 of 4 stars). 3 submissions from 2 submitters: Likely pathogenic (1); Uncertain significance (2). Last evaluated 2018-04-10.

Conditions:
Hyperinsulinemic hypoglycemia, familial, 1 (HHF1). Also called: Persistent hyperinsulinemic hypoglycemia of infancy; HYPERINSULINISM, FAMILIAL, WITH PANCREATIC NESIDIOBLASTOSIS; HYPOGLYCEMIA, HYPERINSULINEMIC, OF INFANCY; NESIDIOBLASTOSIS OF PANCREAS; Persistent Hyperinsulinemia Hypoglycemia of Infancy. Identifiers: Orphanet 276575, Orphanet 276598, MedGen C2931832, MONDO:0009734, OMIM 256450.
Transitory neonatal diabetes mellitus. Also called: Transient neonatal diabetes mellitus. Identifiers: MedGen C0342273, MONDO:0020525, HP:0008255.
Maturity-onset diabetes of the young (MODY). Also called: Maturity onset diabetes mellitus in young. Identifiers: Orphanet 552, MedGen C0342276, MONDO:0018911, HP:0004904.

Submissions (3):

Molecular Diagnostics Laboratory, M Health Fairview: University of Minnesota
Classification: Likely pathogenic for Hyperinsulinemic hypoglycemia, familial, 1. Last evaluated: 2018-04-10. Review status: criteria provided, single submitter. Criteria: ACMG Guidelines, 2015. Collection method: clinical testing. Allele origin: germline. Affected: yes. Observed: 1 variant allele.

Clinical Genomics, Uppaluri K&H Personalized Medicine Clinic
Classification: Uncertain significance for Transitory neonatal diabetes mellitus. Review status: criteria provided, single submitter. Criteria: K & H Uppaluri Personalized Medicine Clinic Variant Classification & Assertion Criteria_Updated V.1. Collection method: research. Allele origin: unknown. Inheritance: Somatic mutation.
Comment: Mutations in ABCC8 gene are associated with both neonatal diabetes mellitus as well as MODY. Patients with this mutation may have a better response to sulfonylureas. However, no sufficient evidence is found to ascertain the role of this particular variant ( rs1564955779) in neonatal diabetes yet.

Clinical Genomics, Uppaluri K&H Personalized Medicine Clinic
Classification: Uncertain significance for Maturity-onset diabetes of the young. Review status: criteria provided, single submitter. Criteria: K & H Uppaluri Personalized Medicine Clinic Variant Classification & Assertion Criteria_Updated V.1. Collection method: research. Allele origin: unknown. Inheritance: Somatic mutation.
Comment: Mutations in ABCC8 gene are associated with both neonatal diabetes mellitus as well as MODY. Patients with this mutation may have a better response to sulfonylureas. However, no sufficient evidence is found to ascertain the role of this particular variant ( rs1564955779) in MODY yet.

Literature cited by the submitters: PubMed 22855730 (cited by Molecular Diagnostics Laboratory, M Health Fairview: University of Minnesota); PubMed 9618169 (cited by Molecular Diagnostics Laboratory, M Health Fairview: University of Minnesota); PubMed 23275527 (cited by Molecular Diagnostics Laboratory, M Health Fairview: University of Minnesota); PubMed 16885549 (cited by Clinical Genomics, Uppaluri K&H Personalized Medicine Clinic); PubMed 21989597 (cited by Clinical Genomics, Uppaluri K&H Personalized Medicine Clinic); PubMed 27538677 (cited by Clinical Genomics, Uppaluri K&H Personalized Medicine Clinic); PubMed 18981553 (cited by Clinical Genomics, Uppaluri K&H Personalized Medicine Clinic); PubMed 32027066 (cited by Clinical Genomics, Uppaluri K&H Personalized Medicine Clinic); PubMed 16613899 (cited by Clinical Genomics, Uppaluri K&H Personalized Medicine Clinic); PubMed 18025408 (cited by Clinical Genomics, Uppaluri K&H Personalized Medicine Clinic); PubMed 32792356 (cited by Clinical Genomics, Uppaluri K&H Personalized Medicine Clinic).

NM_000352.6(ABCC8):c.1243G>A (p.Gly415Arg)

Gene: ABCC8 (ATP binding cassette subfamily C member 8; minus strand). Cytogenetic location: 11p15.1.
Variant type: single nucleotide variant.
Coding change: c.1243G>A on transcript NM_000352.6 (MANE Select); coding-DNA position 1243, G replaced by A.
Protein change: p.Gly415Arg; replaces glycine 415 with arginine.
Molecular consequence: missense variant. On other transcripts: non-coding transcript variant (1).
Genome position (GRCh38, 1-based): chr11:17,448,605, C>T on the plus strand (G>A on the coding strand, the complement: ABCC8 is on the minus strand). VCF-style: chr11-17448605-C-T. GRCh37 (hg19) VCF-style: chr11-17470152-C-T.
Other names: c.1243G>A, p.Gly415Arg (NM_001287174.3, NM_001351295.2); c.1240G>A, p.Gly414Arg (NM_001351296.2, NM_001351297.2); short protein forms G415R, G414R.
Identifiers: ClinVar variation 623149 (VCV000623149.3), dbSNP rs1564955779, ClinGen allele CA379768689.
Genomic context (GRCh38, chr11:17,448,605, plus strand): 5'-ACAAGAAGAAAAACCACATGAGCTGATTGGTGTCGATGGCAACCAGATTACAGATCTGTC[C>T]AGCAGTCATTTCTCCCATGGACAGGTTGGAGGTGGACAGGTGCATAATTTTATTGTAAAT-3'
Protein context (NP_000343.2, residues 405-425): SNLSMGEMTA[Gly415Arg]QICNLVAIDT